The following is an entry in ClinVar:

ClinVar aggregate classification (germline): Pathogenic/Likely pathogenic. Review status: criteria provided, multiple submitters, no conflicts (2 of 4 stars). 6 submissions from 6 submitters: Pathogenic (4); Likely pathogenic (1). 1 of the submissions does not count toward it. Last evaluated 2026-01-29.

Conditions:
Trichohepatoenteric syndrome. Also called: Syndromic diarrhea; Tricho-hepato-enteric syndrome; THE SYNDROME. Identifiers: Orphanet 84064, MedGen C1857276, MONDO:0009105.
Trichohepatoenteric syndrome 2 (THES2). Identifiers: Orphanet 84064, MedGen C3281289, MONDO:0013818, OMIM 614602.

Allele frequency attached by ClinVar (database versions not stated): ExAC 0.00001; gnomAD 0.00003; gnomAD exomes 0.00004 and 0.00005; TOPMed 0.00004.
gnomAD v4.1: 78 of 1,612,154 alleles (0.0048%); highest among the groups gnomAD compares: Admixed American, 0.023%; no homozygotes.

Submissions (6):

Department of Molecular Genetics, Istishari Arab Hospital
Classification: Pathogenic for Trichohepatoenteric syndrome 2. Last evaluated: 2026-01-29. Review status: criteria provided, single submitter. Criteria: ACMG Guidelines, 2015. Collection method: clinical testing. Allele origin: germline. Inheritance: Autosomal recessive inheritance. Affected: yes.
Comment: The SKIV2L variant c.235C>T, p.Arg79* creates a premature stop codon at position 79. This stop-gained (nonsense) variant is predicted to result in a loss or disruption of normal protein function through nonsense-mediated decay (NMD) or protein truncation. The variant is observed at an extremely low frequency in the gnomAD v4.1.0 dataset (total allele frequency: 0.005%). This variant was previously reported in patients with autosomal recessive Trichohepatoenteric syndrome 2 (PMID: 33098347, 22444670). It is classified as pathogenic according to the recommendations of ACMG/AMP/ClinGen SVI guidelines.

Labcorp Genetics (formerly Invitae), Labcorp
Classification: Pathogenic. Last evaluated: 2025-11-19. Review status: criteria provided, single submitter. Criteria: Invitae Variant Classification Sherloc (09022015). Collection method: clinical testing. Allele origin: germline.
Comment: This sequence change creates a premature translational stop signal (p.Arg79*) in the SKIV2L gene. It is expected to result in an absent or disrupted protein product. Loss-of-function variants in SKIV2L are known to be pathogenic (PMID: 22444670). This variant is present in population databases (rs759511516, gnomAD 0.03%). This variant has not been reported in the literature in individuals affected with SKIV2L-related conditions. ClinVar contains an entry for this variant (Variation ID: 1033166). For these reasons, this variant has been classified as Pathogenic.

Mayo Clinic Laboratories, Mayo Clinic
Classification: Pathogenic. Last evaluated: 2024-05-22. Review status: criteria provided, single submitter. Criteria: ACMG Guidelines, 2015. Collection method: clinical testing. Allele origin: germline.
Comment: PM2, PM3_supporting, PS4_moderate, PVS1

Women's Health and Genetics/Laboratory Corporation of America, LabCorp
Classification: Likely pathogenic for Trichohepatoenteric syndrome. Last evaluated: 2023-02-28. Review status: criteria provided, single submitter. Criteria: LabCorp Variant Classification Summary - May 2015. Collection method: clinical testing. Allele origin: germline.
Comment: Variant summary: SKIV2L c.235C>T (p.Arg79X) results in a premature termination codon, predicted to cause a truncation of the encoded protein or absence of the protein due to nonsense mediated decay, which are commonly known mechanisms for disease. Truncations downstream of this position have been classified as pathogenic by our laboratory. The variant allele was found at a frequency of 4.5e-05 in 246534 control chromosomes (gnomAD). This frequency is not significantly higher than estimated for a pathogenic variant in SKIV2L causing Trichohepatoenteric Syndrome (4.5e-05 vs 0.00062), allowing no conclusion about variant significance. c.235C>T has been reported in the literature in at least one homozygous individual affected with Trichohepatoenteric Syndrome (Dyment_2021). These data indicate that the variant may be associated with disease. To our knowledge, no experimental evidence demonstrating an impact on protein function has been reported. Two ClinVar submitters have assessed the variant since 2014: both classified the variant as pathogenic. Based on the evidence outlined above, the variant was classified as likely pathogenic.

GeneDx
Classification: Pathogenic. Last evaluated: 2022-02-09. Review status: criteria provided, single submitter. Criteria: GeneDx Variant Classification Process June 2021. Collection method: clinical testing. Allele origin: germline. Affected: yes.
Comment: Nonsense variant predicted to result in protein truncation or nonsense mediated decay in a gene for which loss-of-function is a known mechanism of disease; This variant is associated with the following publications: (PMID: 33098347)

University of Washington Center for Mendelian Genomics, University of Washington
Classification: Likely pathogenic for Trichohepatoenteric syndrome 2. Review status: no assertion criteria provided. Collection method: research. Allele origin: inherited. Affected: yes. Not counted in ClinVar's aggregate classification.

Literature cited by the submitters: PubMed 33098347 (cited by 4 submitters); PubMed 22444670 (cited by Department of Molecular Genetics, Istishari Arab Hospital and Labcorp Genetics (formerly Invitae), Labcorp).

NM_006929.5(SKIC2):c.235C>T (p.Arg79Ter)

Gene: SKIC2 (SKI2 subunit of superkiller complex; plus strand). Cytogenetic location: 6p21.33.
Variant type: single nucleotide variant.
Coding change: c.235C>T on transcript NM_006929.5 (MANE Select); coding-DNA position 235, C replaced by T.
Protein change: p.Arg79Ter; replaces arginine 79 with a stop codon.
Molecular consequence: nonsense.
Genome position (GRCh38, 1-based): chr6:31,960,118, C>T. VCF-style: chr6-31960118-C-T. GRCh37 (hg19) VCF-style: chr6-31927895-C-T.
Other names: p.Arg79*; short protein forms R79*.
Identifiers: ClinVar variation 1033166 (VCV001033166.17), dbSNP rs759511516, ClinGen allele CA3729083.